The following is an entry in ClinVar:

NM_138927.4(SON):c.4491T>C (p.Ala1497=)

Gene: SON (SON DNA and RNA binding protein; plus strand). Cytogenetic location: 21q22.11.
Variant type: single nucleotide variant.
Coding change: c.4491T>C on transcript NM_138927.4 (MANE Select); coding-DNA position 4491, T replaced by C.
Protein change: p.Ala1497=; no amino-acid change (alanine 1497 retained).
Molecular consequence: synonymous variant. On other transcripts: non-coding transcript variant (1), intron variant (1).
Genome position (GRCh38, 1-based): chr21:33,553,722, T>C. VCF-style: chr21-33553722-T-C. GRCh37 (hg19) VCF-style: chr21-34926028-T-C.
Other names: c.4491T>C, p.Ala1497= (NM_001291411.2, NM_001412133.1, NM_032195.3 and 2 more transcripts); c.245-3434T>C (NM_001291412.3).
Identifiers: ClinVar variation 2652618 (VCV002652618.24), dbSNP rs1406386774, ClinGen allele CA512338133.
Genomic context (GRCh38, chr21:33,553,722, plus strand): 5'-TATCATGTCATCACATGTTATGAAAGGAATTAATCTATCCTCTGGTGATCAAAATCTTGC[T>C]CCAGAGATTGGCATGCAGGAGATTGCATTGCATTCAGGTGAAGAACCACATGCTGAGGAA-3'
Protein context (NP_620305.3, residues 1487-1507): INLSSGDQNL[Ala1497=]PEIGMQEIAL

ClinVar aggregate classification (germline): Likely benign (1 of 4 stars; one submission).

Allele frequency attached by ClinVar (database versions not stated): gnomAD exomes below 0.00001; TOPMed below 0.00001; gnomAD 0.00001.
gnomAD v4.1: 7 of 1,613,890 alleles (0.00043%); highest among the groups gnomAD compares: South Asian, 0.0022%; no homozygotes.

Submission:

CeGaT Center for Human Genetics Tuebingen
Classification: Likely benign. Last evaluated: 2022-12-01. Review status: criteria provided, single submitter. Criteria: CeGaT Center For Human Genetics Tuebingen Variant Classification Criteria Version 2. Collection method: clinical testing. Allele origin: germline. Affected: yes. Observed: 1 variant allele.
Comment: SON: BP4, BP7